The following is an entry in ClinVar:

ClinVar aggregate classification (germline): Likely pathogenic (1 of 4 stars; one submission).

Conditions:
Congenital neutropenia-myelofibrosis-nephromegaly syndrome. Also called: Severe congenital neutropenia 5, autosomal recessive. Identifiers: Orphanet 369852, MedGen C3809031, MONDO:0014118, OMIM 615285.

gnomAD v4.1: 1 of 1,612,912 alleles (0.000062%); highest among the groups gnomAD compares: Non-Finnish European, 0.000085%; no homozygotes.

Submission:

Natera, Inc.
Classification: Likely pathogenic for Autosomal recessive severe congenital neutropenia 5. Last evaluated: 2025-12-04. Review status: criteria provided, single submitter. Criteria: Natera Variant Classification Schema (03/2026). Collection method: clinical testing. Allele origin: germline.
Comment: The c.178C>T variant in VPS45 is a nonsense variant predicted to introduce a stop codon at amino acid 60. This variant is expected to result in nonsense mediated decay, truncation, or a dysfunctional protein product. This variant is rare in the general population with a frequency below the threshold expected for the associated phenotype(s). Given the available evidence, this variant is classified as Likely Pathogenic.

NM_007259.5(VPS45):c.178C>T (p.Arg60Ter)

Gene: VPS45 (vacuolar protein sorting 45 homolog; plus strand). Cytogenetic location: 1q21.2.
Variant type: single nucleotide variant.
Coding change: c.178C>T on transcript NM_007259.5 (MANE Select); coding-DNA position 178, C replaced by T.
Protein change: p.Arg60Ter; replaces arginine 60 with a stop codon.
Molecular consequence: nonsense. On other transcripts: non-coding transcript variant (1).
Genome position (GRCh38, 1-based): chr1:150,068,714, C>T. VCF-style: chr1-150068714-C-T. GRCh37 (hg19) VCF-style: chr1-150040771-C-T.
Other names: c.70C>T, p.Arg24Ter (NM_001279353.2, NM_001279354.2); short protein forms R24*, R60*.
Identifiers: ClinVar variation 4815527 (VCV004815527.1).
Genomic context (GRCh38, chr1:150,068,714, plus strand): 5'-ACACAATCGGAGATTCTACAGAAGGAAGTGTACCTCTTTGAACGCATTGATTCTCAAAAT[C>T]GAGAGATCATGAAACACCTGAAGGCAATTTGTTTTCTTCGACCTACAAAGGTACTGCATA-3'